The following is an entry in ClinVar:

ClinVar aggregate classification (germline): Uncertain significance. Review status: criteria provided, multiple submitters, no conflicts (2 of 4 stars). 2 submissions from 2 submitters: Uncertain significance (2). Last evaluated 2022-09-21.

Conditions:
Long QT syndrome (LQTS). Identifiers: MedGen C0023976, MeSH D008133, MONDO:0002442. Disease mechanism: loss of function. Inheritance: Various modes of inheritance.

Submissions (3):

GeneDx
Classification: Uncertain significance. Last evaluated: 2022-09-21. Review status: criteria provided, single submitter. Criteria: GeneDx Variant Classification Process June 2021. Collection method: clinical testing. Allele origin: germline. Affected: yes.
Comment: Not observed at significant frequency in large population cohorts (gnomAD); In silico analysis supports that this missense variant does not alter protein structure/function; Has not been previously published as pathogenic or benign to our knowledge

Labcorp Genetics (formerly Invitae), Labcorp
Classification: Uncertain significance for Long QT syndrome. Last evaluated: 2020-05-14. Review status: criteria provided, single submitter. Criteria: Invitae Variant Classification Sherloc (09022015). Collection method: clinical testing. Allele origin: germline.
Comment: This sequence change replaces leucine with valine at codon 71 of the KCNE1 protein (p.Leu71Val). The leucine residue is highly conserved and there is a small physicochemical difference between leucine and valine. In summary, the available evidence is currently insufficient to determine the role of this variant in disease. Therefore, it has been classified as a Variant of Uncertain Significance. Algorithms developed to predict the effect of sequence changes on RNA splicing suggest that this variant may create or strengthen a splice site, but this prediction has not been confirmed by published transcriptional studies. Algorithms developed to predict the effect of missense changes on protein structure and function are either unavailable or do not agree on the potential impact of this missense change (SIFT: "Tolerated"; PolyPhen-2: "Probably Damaging"; Align-GVGD: "Class C0"). This variant has not been reported in the literature in individuals with KCNE1-related conditions. This variant is not present in population databases (ExAC no frequency).

Roden Lab, Vanderbilt University Medical Center
No classification provided (evidence only). Condition: Long QT syndrome 5. Review status: no classification provided. Collection method: in vitro. Allele origin: not applicable. Functional consequence: Effect on ion channel function. Not counted in ClinVar's aggregate classification.
ClinVar note: "not provided" was previously submitted as the classification for the variant. However, the classification appeared to be based only on an observation of functional data so it was converted to no classification on 2025-07-30.

NM_000219.6(KCNE1):c.211C>G (p.Leu71Val)

Gene: KCNE1 (potassium voltage-gated channel subfamily E regulatory subunit 1; minus strand). Cytogenetic location: 21q22.12.
Variant type: single nucleotide variant.
Coding change: c.211C>G on transcript NM_000219.6 (MANE Select); coding-DNA position 211, C replaced by G.
Protein change: p.Leu71Val; replaces leucine 71 with valine.
Molecular consequence: missense variant.
Genome position (GRCh38, 1-based): chr21:34,449,424, G>C on the plus strand (C>G on the coding strand, the complement: KCNE1 is on the minus strand). VCF-style: chr21-34449424-G-C. GRCh37 (hg19) VCF-style: chr21-35821722-G-C.
Other names: c.211C>G (NM_000219.3); c.211C>G, p.Leu71Val (NM_001127668.4, NM_001127669.4, NM_001127670.4 and 4 more transcripts); short protein forms L71V.
Identifiers: ClinVar variation 1019505 (VCV001019505.11), dbSNP rs1980991765, ClinGen allele CA410198262.